The following is an entry in ClinVar:

NM_178138.6(LHX3):c.1072A>C (p.Met358Leu)

Gene: LHX3 (LIM homeobox 3; minus strand). Cytogenetic location: 9q34.3.
Variant type: single nucleotide variant.
Coding change: c.1072A>C on transcript NM_178138.6 (MANE Select); coding-DNA position 1072, A replaced by C.
Protein change: p.Met358Leu; replaces methionine 358 with leucine.
Molecular consequence: missense variant.
Genome position (GRCh38, 1-based): chr9:136,197,447, T>G on the plus strand (A>C on the coding strand, the complement: LHX3 is on the minus strand). VCF-style: chr9-136197447-T-G. GRCh37 (hg19) VCF-style: chr9-139089293-T-G.
Other names: c.1039A>C, p.Met347Leu (NM_001363746.1); c.1087A>C, p.Met363Leu (NM_014564.5); c.1087A>C (NM_014564.3); short protein forms M358L, M363L, M347L.
Identifiers: ClinVar variation 2182283 (VCV002182283.2), dbSNP rs559100871, ClinGen allele CA5330266.

ClinVar aggregate classification (germline): Uncertain significance. Review status: criteria provided, multiple submitters, no conflicts (2 of 4 stars). 2 submissions from 2 submitters: Uncertain significance (2). Last evaluated 2025-09-05.

Conditions:
Inborn genetic diseases. Identifiers: MedGen C0950123, MeSH D030342.

Allele frequency attached by ClinVar (database versions not stated): gnomAD exomes 0.00002; ExAC 0.00013; gnomAD 0.00017; TOPMed 0.00020; 1000 Genomes Project 0.00040; 1000 Genomes Project 30x 0.00047.

Submissions (2):

Ambry Genetics
Classification: Uncertain significance for Inborn genetic diseases. Last evaluated: 2025-09-05. Review status: criteria provided, single submitter. Criteria: Ambry Variant Classification Scheme 2023. Collection method: clinical testing. Allele origin: germline.

Labcorp Genetics (formerly Invitae), Labcorp
Classification: Uncertain significance. Last evaluated: 2022-04-11. Review status: criteria provided, single submitter. Criteria: Invitae Variant Classification Sherloc (09022015). Collection method: clinical testing. Allele origin: germline.
Comment: This sequence change replaces methionine, which is neutral and non-polar, with leucine, which is neutral and non-polar, at codon 363 of the LHX3 protein (p.Met363Leu). This variant is present in population databases (rs559100871, gnomAD 0.07%). This variant has not been reported in the literature in individuals affected with LHX3-related conditions. Algorithms developed to predict the effect of missense changes on protein structure and function are either unavailable or do not agree on the potential impact of this missense change (SIFT: "Not Available"; PolyPhen-2: "Benign"; Align-GVGD: "Not Available"). In summary, the available evidence is currently insufficient to determine the role of this variant in disease. Therefore, it has been classified as a Variant of Uncertain Significance.